The following is an entry in ClinVar:

ClinVar aggregate classification (germline): Pathogenic (1 of 4 stars; one submission).

Submission:

Labcorp Genetics (formerly Invitae), Labcorp
Classification: Pathogenic. Last evaluated: 2023-10-23. Review status: criteria provided, single submitter. Criteria: Invitae Variant Classification Sherloc (09022015). Collection method: clinical testing. Allele origin: unknown.
Comment: This variant is a gross deletion of the genomic region encompassing exon(s) 1-12 of the ERCC2 gene, which includes the initiator codon. This deletion extends beyond the assayed region for this gene and therefore may encompass additional genes. It is expected to result in an absent or disrupted protein product. Loss-of-function variants in ERCC2 are known to be pathogenic (PMID: 9238033, 11335038, 19085937, 19934020). This variant has not been reported in the literature in individuals affected with ERCC2-related conditions. For these reasons, this variant has been classified as Pathogenic.

Literature cited by the submitters: PubMed 9238033; PubMed 11335038; PubMed 19085937; PubMed 19934020.

NC_000019.9:g.(?_45864762)_(45873798_?)del

Gene: ERCC2 (ERCC excision repair 2, TFIIH core complex helicase subunit; minus strand). Cytogenetic location: 19q13.32.
Variant type: Deletion.
Identifiers: ClinVar variation 3242640 (VCV003242640.1).